The following is an entry in ClinVar:

ClinVar aggregate classification (germline): Uncertain significance (1 of 4 stars; one submission).

Conditions:
Idiopathic generalized epilepsy. Also called: Generalised epilepsy; EIG. Identifiers: MedGen C0270850, MONDO:0005579, OMIM 600669.

Allele frequency attached by ClinVar (database versions not stated): gnomAD exomes below 0.00001; gnomAD 0.00001; TOPMed 0.00001.
gnomAD v4.1: 6 of 1,550,184 alleles (0.00039%); highest among the groups gnomAD compares: African/African-American, 0.0027%; no homozygotes.

Submission:

Labcorp Genetics (formerly Invitae), Labcorp
Classification: Uncertain significance for Idiopathic generalized epilepsy. Last evaluated: 2023-08-17. Review status: criteria provided, single submitter. Criteria: Invitae Variant Classification Sherloc (09022015). Collection method: clinical testing. Allele origin: germline.
Comment: In summary, the available evidence is currently insufficient to determine the role of this variant in disease. Therefore, it has been classified as a Variant of Uncertain Significance. Advanced modeling of protein sequence and biophysical properties (such as structural, functional, and spatial information, amino acid conservation, physicochemical variation, residue mobility, and thermodynamic stability) performed at Invitae indicates that this missense variant is not expected to disrupt RBFOX3 protein function. This variant has not been reported in the literature in individuals affected with RBFOX3-related conditions. This variant is not present in population databases (gnomAD no frequency). This sequence change replaces threonine, which is neutral and polar, with alanine, which is neutral and non-polar, at codon 188 of the RBFOX3 protein (p.Thr188Ala).

NM_001350451.2(RBFOX3):c.562A>G (p.Thr188Ala)

Gene: RBFOX3 (RNA binding fox-1 homolog 3; minus strand). Cytogenetic location: 17q25.3.
Variant type: single nucleotide variant.
Coding change: c.562A>G on transcript NM_001350451.2 (MANE Select); coding-DNA position 562, A replaced by G.
Protein change: p.Thr188Ala; replaces threonine 188 with alanine.
Molecular consequence: missense variant.
Genome position (GRCh38, 1-based): chr17:79,101,590, T>C on the plus strand (A>G on the coding strand, the complement: RBFOX3 is on the minus strand). VCF-style: chr17-79101590-T-C. GRCh37 (hg19) VCF-style: chr17-77097672-T-C.
Other names: c.559A>G, p.Thr187Ala (NM_001385844.1, NM_001385845.1, NM_001385846.1 and 4 more transcripts); c.415A>G, p.Thr139Ala (NM_001385847.1); c.562A>G, p.Thr188Ala (NM_001385840.1, NM_001385841.1, NM_001385842.1 and 34 more transcripts); c.469A>G, p.Thr157Ala (NM_001385824.1); short protein forms T139A, T157A, T187A, T188A.
Identifiers: ClinVar variation 2894379 (VCV002894379.3), dbSNP rs925722930, ClinGen allele CA294788501.
Genomic context (GRCh38, chr17:79,101,590, plus strand): 5'-CCTCTGTCCCAGCCAGTGACCCCAGCAGCCTTGTGGGGGGACCCAGCCCCTTACCGTTGG[T>C]GTAGGGGTTCCCCGTCTTCTTGTTGGTCATCACTCGGGCCGTGGCATTATTGACCTGTTC-3'
Protein context (NP_001337380.1, residues 178-198): MTNKKTGNPY[Thr188Ala]NGWKLNPVVG